The following is an entry in ClinVar:

NM_003901.4(SGPL1):c.270C>G (p.Asp90Glu)

Gene: SGPL1 (sphingosine-1-phosphate lyase 1; plus strand). Cytogenetic location: 10q22.1.
Variant type: single nucleotide variant.
Coding change: c.270C>G on transcript NM_003901.4 (MANE Select); coding-DNA position 270, C replaced by G.
Protein change: p.Asp90Glu; replaces aspartic acid 90 with glutamic acid.
Molecular consequence: missense variant.
Genome position (GRCh38, 1-based): chr10:70,854,716, C>G. VCF-style: chr10-70854716-C-G. GRCh37 (hg19) VCF-style: chr10-72614473-C-G.
Other names: short protein forms D90E.
Identifiers: ClinVar variation 1714378 (VCV001714378.5), dbSNP rs2492758760, ClinGen allele CA377117287.

ClinVar aggregate classification (germline): Uncertain significance (1 of 4 stars; one submission).

Submission:

Labcorp Genetics (formerly Invitae), Labcorp
Classification: Uncertain significance. Last evaluated: 2023-05-22. Review status: criteria provided, single submitter. Criteria: Invitae Variant Classification Sherloc (09022015). Collection method: clinical testing. Allele origin: germline.
Comment: Algorithms developed to predict the effect of missense changes on protein structure and function output the following: SIFT: "Not Available"; PolyPhen-2: "Benign"; Align-GVGD: "Not Available". The glutamic acid amino acid residue is found in multiple mammalian species, which suggests that this missense change does not adversely affect protein function. In summary, the available evidence is currently insufficient to determine the role of this variant in disease. Therefore, it has been classified as a Variant of Uncertain Significance. ClinVar contains an entry for this variant (Variation ID: 1714378). This variant has not been reported in the literature in individuals affected with SGPL1-related conditions. This variant is not present in population databases (gnomAD no frequency). This sequence change replaces aspartic acid, which is acidic and polar, with glutamic acid, which is acidic and polar, at codon 90 of the SGPL1 protein (p.Asp90Glu).